The following is an entry in ClinVar:

NM_000426.4(LAMA2):c.5156_5159del (p.Lys1719fs)

Gene: LAMA2 (laminin subunit alpha 2; plus strand). Cytogenetic location: 6q22.33.
Variant type: Deletion.
Coding change: c.5156_5159del on transcript NM_000426.4 (MANE Select); coding-DNA positions 5156 to 5159, 4 bases deleted (AAGA; older notation c.5156_5159delAAGA).
Protein change: p.Lys1719fs; shifts the reading frame from lysine 1719.
Molecular consequence: frameshift variant.
Genome position (GRCh38, 1-based): chr6:129,391,575-129,391,578, AAGA deleted; deleting any 4 consecutive bases within chr6:129,391,572-129,391,578 gives the same sequence; the c. name uses the placement nearest the transcript's 3' end. VCF-style (leftmost placement, unchanged base first): chr6-129391571-CAGAA-C. GRCh37 (hg19) VCF-style: chr6-129712716-CAGAA-C.
Other names: c.5156_5159delAAGA (NM_000426.3); c.5156_5159del, p.Lys1719fs (NM_001079823.2); short protein forms K1719fs.
Identifiers: ClinVar variation 551648 (VCV000551648.7), dbSNP rs1554286963, ClinGen allele CA658821751.

ClinVar aggregate classification (germline): Pathogenic. Review status: criteria provided, multiple submitters, no conflicts (2 of 4 stars). 3 submissions from 3 submitters: Pathogenic (2). 1 of the submissions does not count toward it. Last evaluated 2025-04-23.

Conditions:
Merosin deficient congenital muscular dystrophy (MDC1A). Also called: Congenital merosin-deficient muscular dystrophy 1A; Congenital Muscular Dystrophy Type 1A (MDC1A). Identifiers: Orphanet 258, MedGen C1263858, MONDO:0011925, OMIM 607855.
Muscular dystrophy, limb-girdle, autosomal recessive 23. Identifiers: Orphanet 565837, MedGen C4748327, MONDO:0029136, OMIM 618138.
LAMA2-related muscular dystrophy (LAMA2-RD). Also called: Laminin alpha 2-related dystrophy. Identifiers: MedGen C5679788, MONDO:0100228.

Submissions (3):

Labcorp Genetics (formerly Invitae), Labcorp
Classification: Pathogenic for LAMA2-related muscular dystrophy. Last evaluated: 2025-04-23. Review status: criteria provided, single submitter. Criteria: Invitae Variant Classification Sherloc (09022015). Collection method: clinical testing. Allele origin: germline.
Comment: This sequence change creates a premature translational stop signal (p.Lys1719Argfs*5) in the LAMA2 gene. It is expected to result in an absent or disrupted protein product. Loss-of-function variants in LAMA2 are known to be pathogenic (PMID: 18700894, 32904964). This variant is not present in population databases (gnomAD no frequency). This premature translational stop signal has been observed in individual(s) with congenital muscular dystrophy (PMID: 24611677, 34281576, 34702656). ClinVar contains an entry for this variant (Variation ID: 551648). For these reasons, this variant has been classified as Pathogenic.

Juno Genomics, Hangzhou Juno Genomics, Inc
Classification: Pathogenic for Merosin deficient congenital muscular dystrophy; Muscular dystrophy, limb-girdle, autosomal recessive 23. Review status: criteria provided, single submitter. Criteria: ACMG Guidelines, 2015. Collection method: clinical testing. Allele origin: germline.
Comment: Absent from controls (or at extremely low frequency if recessive) in Genome Aggregation Database.;Null variant in a gene where loss of function (LOF) is a known mechanism of disease.;For recessive disorders, detected in trans with a pathogenic variant.

Counsyl
Classification: Pathogenic for Merosin deficient congenital muscular dystrophy. Last evaluated: 2017-04-28. Review status: no assertion criteria provided. Collection method: clinical testing. Allele origin: unknown. Not counted in ClinVar's aggregate classification.

Literature cited by the submitters: PubMed 18700894 (cited by Labcorp Genetics (formerly Invitae), Labcorp); PubMed 32904964 (cited by Labcorp Genetics (formerly Invitae), Labcorp); PubMed 24611677 (cited by Labcorp Genetics (formerly Invitae), Labcorp and Counsyl); PubMed 34281576 (cited by Labcorp Genetics (formerly Invitae), Labcorp); PubMed 34702656 (cited by Labcorp Genetics (formerly Invitae), Labcorp).